The following is an entry in ClinVar:

NM_203446.3(SYNJ1):c.1100A>G (p.Asn367Ser)

Gene: SYNJ1 (synaptojanin 1; minus strand). Cytogenetic location: 21q22.11.
Variant type: single nucleotide variant.
Coding change: c.1100A>G on transcript NM_203446.3 (MANE Select); coding-DNA position 1100, A replaced by G.
Protein change: p.Asn367Ser; replaces asparagine 367 with serine.
Molecular consequence: missense variant.
Genome position (GRCh38, 1-based): chr21:32,685,766, T>C on the plus strand (A>G on the coding strand, the complement: SYNJ1 is on the minus strand). VCF-style: chr21-32685766-T-C. GRCh37 (hg19) VCF-style: chr21-34058076-T-C.
Other names: c.1100A>G, p.Asn367Ser (NM_001160302.2, NM_001160306.2); c.1217A>G, p.Asn406Ser (NM_003895.4); short protein forms N367S, N406S.
Identifiers: ClinVar variation 1357025 (VCV001357025.4), dbSNP rs562660511, ClinGen allele CA10003974.

ClinVar aggregate classification (germline): Uncertain significance. Review status: criteria provided, multiple submitters, no conflicts (2 of 4 stars). 2 submissions from 2 submitters: Uncertain significance (2). Last evaluated 2023-11-13.

Conditions:
Developmental and epileptic encephalopathy, 53. Also called: Epileptic encephalopathy, early infantile, 53. Identifiers: MedGen C4479313, MONDO:0033362, OMIM 617389.
Early-onset Parkinson disease 20. Also called: PARKINSON DISEASE 20, AUTOSOMAL RECESSIVE EARLY-ONSET. Identifiers: Orphanet 391411, MedGen C3809824, MONDO:0014233, OMIM 615530.
Inborn genetic diseases. Identifiers: MedGen C0950123, MeSH D030342.

Allele frequency attached by ClinVar (database versions not stated): gnomAD exomes 0.00002 and 0.00001; TOPMed 0.00002; gnomAD 0.00003 and 0.00002; 1000 Genomes Project 0.00020; 1000 Genomes Project 30x 0.00031; ExAC 0.00002.
gnomAD v4.1: 16 of 1,606,752 alleles (0.001%); highest among the groups gnomAD compares: African/African-American, 0.0094%; no homozygotes.

Submissions (2):

Ambry Genetics
Classification: Uncertain significance for Inborn genetic diseases. Last evaluated: 2023-11-13. Review status: criteria provided, single submitter. Criteria: Ambry Variant Classification Scheme 2023. Collection method: clinical testing. Allele origin: germline.

Labcorp Genetics (formerly Invitae), Labcorp
Classification: Uncertain significance for Developmental and epileptic encephalopathy, 53; Early-onset Parkinson disease 20. Last evaluated: 2021-08-05. Review status: criteria provided, single submitter. Criteria: Invitae Variant Classification Sherloc (09022015). Collection method: clinical testing. Allele origin: germline.
Comment: This sequence change replaces asparagine with serine at codon 406 of the SYNJ1 protein (p.Asn406Ser). The asparagine residue is weakly conserved and there is a small physicochemical difference between asparagine and serine. This variant is present in population databases (rs562660511, ExAC 0.01%). This variant has not been reported in the literature in individuals affected with SYNJ1-related conditions. Algorithms developed to predict the effect of missense changes on protein structure and function (SIFT, PolyPhen-2, Align-GVGD) all suggest that this variant is likely to be tolerated. Algorithms developed to predict the effect of sequence changes on RNA splicing suggest that this variant may create or strengthen a splice site. In summary, the available evidence is currently insufficient to determine the role of this variant in disease. Therefore, it has been classified as a Variant of Uncertain Significance.